The following is an entry in ClinVar:

NM_024996.7(GFM1):c.2226T>C (p.Leu742=)

Gene: GFM1 (G elongation factor mitochondrial 1; plus strand). Cytogenetic location: 3q25.32.
Variant type: single nucleotide variant.
Coding change: c.2226T>C on transcript NM_024996.7 (MANE Select); coding-DNA position 2226, T replaced by C.
Protein change: p.Leu742=; no amino-acid change (leucine 742 retained).
Molecular consequence: synonymous variant. On other transcripts: non-coding transcript variant (4).
Genome position (GRCh38, 1-based): chr3:158,691,437, T>C. VCF-style: chr3-158691437-T-C. GRCh37 (hg19) VCF-style: chr3-158409226-T-C.
Other names: c.2283T>C, p.Leu761= (NM_001308164.2); c.2145T>C, p.Leu715= (NM_001374355.1); c.2109T>C, p.Leu703= (NM_001374356.1); c.2001T>C, p.Leu667= (NM_001374357.1); c.1767T>C, p.Leu589= (NM_001374358.1); c.1659T>C, p.Leu553= (NM_001374359.1); c.1605T>C, p.Leu535= (NM_001374360.1); c.1542T>C, p.Leu514= (NM_001374361.1); and 2 more.
Identifiers: ClinVar variation 1641860 (VCV001641860.10), dbSNP rs1427312809, ClinGen allele CA436490964.

ClinVar aggregate classification (germline): Likely benign. Review status: criteria provided, multiple submitters, no conflicts (2 of 4 stars). 3 submissions from 3 submitters: Likely benign (2). 1 of the submissions does not count toward it. Last evaluated 2026-01-01.

Conditions:
Hepatoencephalopathy due to combined oxidative phosphorylation defect type 1. Also called: HEPATOENCEPHALOPATHY, EARLY FATAL PROGRESSIVE. Identifiers: Orphanet 137681, MedGen C1836797, MONDO:0012191, OMIM 609060.
GFM1-related disorder. Also called: GFM1-related condition.

Submissions (3):

PreventionGenetics, part of Exact Sciences
Classification: Likely benign for GFM1-related condition. Last evaluated: 2026-01-01. Review status: criteria provided, single submitter. Criteria: ACMG Guidelines, 2015. Collection method: clinical testing. Allele origin: germline.
Comment: This variant is classified as likely benign based on ACMG/AMP sequence variant interpretation guidelines (Richards et al. 2015 PMID: 25741868, with internal and published modifications).

Labcorp Genetics (formerly Invitae), Labcorp
Classification: Likely benign. Last evaluated: 2023-04-06. Review status: criteria provided, single submitter. Criteria: Invitae Variant Classification Sherloc (09022015). Collection method: clinical testing. Allele origin: germline.

Natera, Inc.
Classification: Uncertain significance for Combined oxidative phosphorylation deficiency 1. Last evaluated: 2025-01-21. Review status: no assertion criteria provided. Collection method: clinical testing. Allele origin: germline. Not counted in ClinVar's aggregate classification.